The following is an entry in ClinVar:

NM_016734.3(PAX5):c.178G>A (p.Val60Ile)

Gene: PAX5 (paired box 5; minus strand). Cytogenetic location: 9p13.2.
Variant type: single nucleotide variant.
Coding change: c.178G>A on transcript NM_016734.3 (MANE Select); coding-DNA position 178, G replaced by A.
Protein change: p.Val60Ile; replaces valine 60 with isoleucine.
Molecular consequence: missense variant. On other transcripts: non-coding transcript variant (2), intron variant (2).
Genome position (GRCh38, 1-based): chr9:37,020,670, C>T on the plus strand (G>A on the coding strand, the complement: PAX5 is on the minus strand). VCF-style: chr9-37020670-C-T. GRCh37 (hg19) VCF-style: chr9-37020667-C-T.
Other names: c.178G>A, p.Val60Ile (NM_001280547.2, NM_001280548.2, NM_001280549.2 and 5 more transcripts); c.-112-5476G>A (NM_001280551.2, NM_001280556.2); short protein forms V60I.
Identifiers: ClinVar variation 3414513 (VCV003414513.1).

ClinVar aggregate classification (germline): Uncertain significance (1 of 4 stars; one submission).

Conditions:
Inborn genetic diseases. Identifiers: MedGen C0950123, MeSH D030342.

Submission:

Ambry Genetics
Classification: Uncertain significance for Inborn genetic diseases. Last evaluated: 2024-10-05. Review status: criteria provided, single submitter. Criteria: Ambry Variant Classification Scheme 2023. Collection method: clinical testing. Allele origin: germline.
Comment: The p.V60I variant (also known as c.178G>A), located in coding exon 2 of the PAX5 gene, results from a G to A substitution at nucleotide position 178. The valine at codon 60 is replaced by isoleucine, an amino acid with highly similar properties. This amino acid position is conserved. In addition, this alteration is predicted to be deleterious by in silico analysis. Based on the available evidence, the clinical significance of this variant remains unclear.